The following is an entry in ClinVar:

ClinVar aggregate classification (germline): Pathogenic. Review status: criteria provided, multiple submitters, no conflicts (2 of 4 stars). 11 submissions from 11 submitters: Pathogenic (7). 4 of the submissions do not count toward it. Last evaluated 2026-02-03.

Conditions:
Primary pulmonary hypertension. Also called: Idiopathic pulmonary hypertension. Identifiers: MedGen C0152171.
BMPR2-related disorder. Also called: BMPR2-related condition; BMPR2-related disorders.
Idiopathic and/or familial pulmonary arterial hypertension. Identifiers: Orphanet 422, MedGen C5679820, MONDO:0008347.
Pulmonary arterial hypertension. Identifiers: Orphanet 182090, MedGen C2973725, MeSH D000081029, MONDO:0015924, HP:0002092.
Pulmonary hypertension, primary, 1 (PPH1). Also called: Pulmonary hypertension, familial primary, 1, with or without HHT. Identifiers: Orphanet 422, MedGen C4552070, MONDO:0024533, OMIM 178600.
Pulmonary venoocclusive disease 1 (PVOD1). Also called: Pulmonary venoocclusive disease 1, autosomal dominant. Identifiers: Orphanet 31837, MedGen C3887658, MONDO:0020713, OMIM 265450.

gnomAD v4.1: 1 of 1,614,054 alleles (0.000062%); highest among the groups gnomAD compares: Non-Finnish European, 0.000085%; no homozygotes.

Submissions (11):

GeneDx
Classification: Pathogenic. Last evaluated: 2026-02-03. Review status: criteria provided, single submitter. Criteria: GeneDx Variant Classification Process June 2021. Collection method: clinical testing. Allele origin: germline.
Comment: Nonsense variant predicted to result in protein truncation or nonsense mediated decay in a gene for which loss of function is a known mechanism of disease; Not observed at significant frequency in large population cohorts (gnomAD); This variant is associated with the following publications: (PMID: 32634488, 20562228, 24274756, 32581362, 12045205, 26073741, 22388934, 18723761, 10973254, 35346192, 34589526, 31727138, 19555857, 30578397, 32966279)

PreventionGenetics, part of Exact Sciences
Classification: Pathogenic for BMPR2-related condition. Last evaluated: 2025-05-01. Review status: criteria provided, single submitter. Criteria: ACMG Guidelines, 2015. Collection method: clinical testing. Allele origin: germline.
Comment: The BMPR2 c.2695C>T variant is predicted to result in premature protein termination (p.Arg899*). This variant has been reported in multiple individuals with familial and idiopathic primary pulmonary hypertension (see for examples, Lane et al. 2000. PubMed ID: 10973254; Machado et al. 2009. PubMed ID: 19555857; Table S3, Zhu et al. 2019. PubMed ID: 31727138; Table S1, Eichstaedt et al. 2022. PubMed ID: 35346192). This variant has not been reported in a large population database (gnomAD), indicating it is rare. An in vitro experimental study suggests that this variant leads to increased BMPR2-induced cell proliferation compared to wildtype (Rudarakanchana et al. 2002. PubMed ID: 12045205). Nonsense variants in BMPR2 are expected to be pathogenic. This variant is interpreted as pathogenic.

Pharmacogenomics Laboratory, Instituto de Medicina Experimental, CONICET-Academia Nacional de Medicina
Classification: Pathogenic for Pulmonary hypertension, primary, 1. Last evaluated: 2025-02-07. Review status: criteria provided, single submitter. Criteria: ACMG Guidelines, 2015. Collection method: clinical testing. Allele origin: germline. Affected: yes. Observed: 1 heterozygote.
Comment: The variant is not reported in the gnomAD population database. Arg899X has been demonstrated non-critical/not necessary for kinase activity based on the criteria of the ClinGen Pulmonary Hypertension Expert Panel. ClinVar classifies this variant as Pathogenic, 2 stars (reviewed Nov '24, 7 submissions). Based on available information, this variant is considered to be pathogenic.

Labcorp Genetics (formerly Invitae), Labcorp
Classification: Pathogenic for Primary pulmonary hypertension. Last evaluated: 2024-11-06. Review status: criteria provided, single submitter. Criteria: Invitae Variant Classification Sherloc (09022015). Collection method: clinical testing. Allele origin: germline.
Comment: This sequence change creates a premature translational stop signal (p.Arg899*) in the BMPR2 gene. It is expected to result in an absent or disrupted protein product. Loss-of-function variants in BMPR2 are known to be pathogenic (PMID: 16429395). This variant is not present in population databases (gnomAD no frequency). This premature translational stop signal has been observed in individual(s) with pulmonary hypertension (PMID: 10973254, 11115378, 15146475, 19555857, 21737554, 21801371, 23592887). In at least one individual the variant was observed to be de novo. Invitae Evidence Modeling of clinical and family history, age, sex, and reported ancestry of multiple individuals with this BMPR2 variant has been performed. This variant is expected to be pathogenic with a positive predictive value of at least 99%. This is a validated machine learning model that incorporates the clinical features of 19,619 individuals referred to our laboratory for BMPR2 testing. ClinVar contains an entry for this variant (Variation ID: 8796). For these reasons, this variant has been classified as Pathogenic.

Blueprint Genetics
Classification: Pathogenic for BMPR2-related disorders. Last evaluated: 2022-08-24. Review status: criteria provided, single submitter. Criteria: ACMG Guidelines, 2015. Collection method: clinical testing. Allele origin: germline. Affected: yes. Observed: 4 variant alleles.

ARUP Laboratories, Molecular Genetics and Genomics, ARUP Laboratories
Classification: Pathogenic. Last evaluated: 2019-12-16. Review status: criteria provided, single submitter. Criteria: ARUP Molecular Germline Variant Investigation Process. Collection method: clinical testing. Allele origin: germline.
Comment: The BMPR2 c.2695C>T; p.Arg899Ter variant (rs137852741) is reported in the literature in multiple individuals affected with PAH (International PPH Consortium 2000, Machado 2009). This variant is also absent from general population databases (Exome Variant Server, Genome Aggregation Database), indicating it is not a common polymorphism. This variant induces an early termination codon and is predicted to result in a truncated protein or mRNA subject to nonsense-mediated decay. Based on available information, this variant is considered to be pathogenic. References: International PPH Consortium. Heterozygous germline mutations in BMPR2, encoding a TGF-beta receptor, cause familial primary pulmonary hypertension. Nat Genet. 2000 Sep;26(1):81-4. Machado RD et al. Genetics and genomics of pulmonary arterial hypertension. J Am Coll Cardiol. 2009 Jun 30;54(1 Suppl):S32-42.

Fulgent Genetics
Classification: Pathogenic for Pulmonary hypertension, primary, 1; Pulmonary venoocclusive disease 1. Last evaluated: 2018-10-31. Review status: criteria provided, single submitter. Criteria: ACMG Guidelines, 2015. Collection method: clinical testing. Allele origin: unknown.

OMIM
Classification: Pathogenic for PULMONARY HYPERTENSION, PRIMARY, 1. Last evaluated: 2000-09-01. Review status: no assertion criteria provided. Collection method: literature only. Allele origin: germline. Not counted in ClinVar's aggregate classification.

NIHR Bioresource Rare Diseases, University of Cambridge
Classification: Pathogenic for Pulmonary arterial hypertension. Review status: no assertion criteria provided. Collection method: research. Allele origin: unknown. Affected: yes. Observed: 2 variant alleles. Not counted in ClinVar's aggregate classification.

Rare Disease Genomics Group, St George's University of London
Classification: Pathogenic for Primary pulmonary hypertension. Review status: no assertion criteria provided. Collection method: literature only. Allele origin: germline. Affected: yes. Not counted in ClinVar's aggregate classification.

Wendy Chung Laboratory, Boston Children's Hospital
No classification provided. Condition: Idiopathic and/or familial pulmonary arterial hypertension. Review status: no classification provided. Collection method: literature only. Allele origin: germline. Affected: yes. Not counted in ClinVar's aggregate classification.

Literature cited by the submitters: PubMed 16429395 (cited by Labcorp Genetics (formerly Invitae), Labcorp and Rare Disease Genomics Group, St George's University of London); PubMed 10973254 (cited by 3 submitters); PubMed 11115378 (cited by Labcorp Genetics (formerly Invitae), Labcorp and Rare Disease Genomics Group, St George's University of London); PubMed 15146475 (cited by Labcorp Genetics (formerly Invitae), Labcorp and Rare Disease Genomics Group, St George's University of London); PubMed 19555857 (cited by Labcorp Genetics (formerly Invitae), Labcorp and Rare Disease Genomics Group, St George's University of London); PubMed 21737554 (cited by Labcorp Genetics (formerly Invitae), Labcorp and Rare Disease Genomics Group, St George's University of London); PubMed 21801371 (cited by Labcorp Genetics (formerly Invitae), Labcorp and Rare Disease Genomics Group, St George's University of London); PubMed 23592887 (cited by Labcorp Genetics (formerly Invitae), Labcorp and Rare Disease Genomics Group, St George's University of London); PubMed 32581362 (cited by NIHR Bioresource Rare Diseases, University of Cambridge); PubMed 11015450 (cited by Rare Disease Genomics Group, St George's University of London); PubMed 20534176 (cited by Rare Disease Genomics Group, St George's University of London); PubMed 20002458 (cited by Rare Disease Genomics Group, St George's University of London); PubMed 26387786 (cited by Rare Disease Genomics Group, St George's University of London); PubMed 31727138 (cited by Wendy Chung Laboratory, Boston Children's Hospital).

NM_001204.7(BMPR2):c.2695C>T (p.Arg899Ter)

Gene: BMPR2 (bone morphogenetic protein receptor type 2; plus strand). Cytogenetic location: 2q33.2.
Variant type: single nucleotide variant.
Coding change: c.2695C>T on transcript NM_001204.7 (MANE Select); coding-DNA position 2695, C replaced by T.
Protein change: p.Arg899Ter; replaces arginine 899 with a stop codon.
Molecular consequence: nonsense.
Genome position (GRCh38, 1-based): chr2:202,556,360, C>T. VCF-style: chr2-202556360-C-T. GRCh37 (hg19) VCF-style: chr2-203421083-C-T.
Other names: c.2695C>T, p.Arg899Ter (LRG_712t1); short protein forms R899*.
Identifiers: ClinVar variation 8796 (VCV000008796.27), dbSNP rs137852741, ClinGen allele CA278069.